The following is an entry in ClinVar:

ClinVar aggregate classification (germline): Uncertain significance (1 of 4 stars; one submission).

Conditions:
Progressive sclerosing poliodystrophy (MTDPS4A). Also called: ALPERS PROGRESSIVE INFANTILE POLIODYSTROPHY; NEURONAL DEGENERATION OF CHILDHOOD WITH LIVER DISEASE, PROGRESSIVE; Mitochondrial DNA Depletion Syndrome 4A; Alpers Syndrome; ALPERS DIFFUSE DEGENERATION OF CEREBRAL GRAY MATTER WITH HEPATIC CIRRHOSIS; Alpers-Huttenlocher Syndrome. Identifiers: Orphanet 726, MedGen C0205710, MONDO:0008758, OMIM 203700.

Submission:

Labcorp Genetics (formerly Invitae), Labcorp
Classification: Uncertain significance for Progressive sclerosing poliodystrophy. Last evaluated: 2025-06-01. Review status: criteria provided, single submitter. Criteria: Invitae Variant Classification Sherloc (09022015). Collection method: clinical testing. Allele origin: germline.
Comment: This sequence change replaces serine, which is neutral and polar, with threonine, which is neutral and polar, at codon 352 of the POLG protein (p.Ser352Thr). This variant is not present in population databases (gnomAD no frequency). This variant has not been reported in the literature in individuals affected with POLG-related conditions. Invitae Evidence Modeling of protein sequence and biophysical properties (such as structural, functional, and spatial information, amino acid conservation, physicochemical variation, residue mobility, and thermodynamic stability) indicates that this missense variant is expected to disrupt POLG protein function with a positive predictive value of 80%. In summary, the available evidence is currently insufficient to determine the role of this variant in disease. Therefore, it has been classified as a Variant of Uncertain Significance.

NM_002693.3(POLG):c.1055G>C (p.Ser352Thr)

Gene: POLG (DNA polymerase gamma, catalytic subunit; minus strand). Cytogenetic location: 15q26.1.
Variant type: single nucleotide variant.
Coding change: c.1055G>C on transcript NM_002693.3 (MANE Select); coding-DNA position 1055, G replaced by C.
Protein change: p.Ser352Thr; replaces serine 352 with threonine.
Molecular consequence: missense variant.
Genome position (GRCh38, 1-based): chr15:89,328,800, C>G on the plus strand (G>C on the coding strand, the complement: POLG is on the minus strand). VCF-style: chr15-89328800-C-G. GRCh37 (hg19) VCF-style: chr15-89872031-C-G.
Other names: c.1055G>C, p.Ser352Thr (NM_001126131.2); short protein forms S352T.
Identifiers: ClinVar variation 4802422 (VCV004802422.1).